The following is an entry in ClinVar:

NM_001291867.2(NHS):c.1040C>T (p.Thr347Met)

Gene: NHS (NHS actin remodeling regulator; plus strand). Cytogenetic location: Xp22.13.
Variant type: single nucleotide variant.
Coding change: c.1040C>T on transcript NM_001291867.2 (MANE Select); coding-DNA position 1040, C replaced by T.
Protein change: p.Thr347Met; replaces threonine 347 with methionine.
Molecular consequence: missense variant.
Genome position (GRCh38, 1-based): chrX:17,721,565, C>T. VCF-style: chrX-17721565-C-T. GRCh37 (hg19) VCF-style: chrX-17739685-C-T.
Other names: c.509C>T, p.Thr170Met (NM_001136024.4); c.446C>T, p.Thr149Met (NM_001291868.2); c.977C>T, p.Thr326Met (NM_198270.4); short protein forms T149M, T170M, T326M, T347M.
Identifiers: ClinVar variation 2288177 (VCV002288177.4), dbSNP rs200668785, ClinGen allele CA326965588.
Genomic context (GRCh38, chrX:17,721,565, plus strand): 5'-ACAATATCCCTTCCACACTGGACAAGCAGACCAACTGGAGCAAAGCACTACCTCTCCCGA[C>T]GCCAGAGGAGAAGATGAAACAAGATGCCCAAGTGATTTCTTCTTGCATTATTCCCATCAA-3'
Protein context (NP_001278796.1, residues 337-357): TNWSKALPLP[Thr347Met]PEEKMKQDAQ

ClinVar aggregate classification (germline): Uncertain significance. Review status: criteria provided, multiple submitters, no conflicts (2 of 4 stars). 2 submissions from 2 submitters: Uncertain significance (2). Last evaluated 2024-09-01.

Conditions:
Nance-Horan syndrome (NHS). Identifiers: Orphanet 627, MedGen C0796085, MONDO:0010545, OMIM 302350.
Inborn genetic diseases. Identifiers: MedGen C0950123, MeSH D030342.

Allele frequency attached by ClinVar (database versions not stated): gnomAD exomes below 0.00001; gnomAD 0.00001; TOPMed 0.00001.
gnomAD v4.1: 5 of 1,209,576 alleles (0.00041%); highest among the groups gnomAD compares: Admixed American, 0.0022%; no homozygotes.

Submissions (2):

Labcorp Genetics (formerly Invitae), Labcorp
Classification: Uncertain significance for Nance-Horan syndrome. Last evaluated: 2024-09-01. Review status: criteria provided, single submitter. Criteria: Invitae Variant Classification Sherloc (09022015). Collection method: clinical testing. Allele origin: germline.
Comment: This sequence change replaces threonine, which is neutral and polar, with methionine, which is neutral and non-polar, at codon 326 of the NHS protein (p.Thr326Met). This variant is present in population databases (rs200668785, gnomAD 0.004%). This variant has not been reported in the literature in individuals affected with NHS-related conditions. ClinVar contains an entry for this variant (Variation ID: 2288177). Invitae Evidence Modeling of protein sequence and biophysical properties (such as structural, functional, and spatial information, amino acid conservation, physicochemical variation, residue mobility, and thermodynamic stability) indicates that this missense variant is expected to disrupt NHS protein function with a positive predictive value of 80%. In summary, the available evidence is currently insufficient to determine the role of this variant in disease. Therefore, it has been classified as a Variant of Uncertain Significance.

Ambry Genetics
Classification: Uncertain significance for Inborn genetic diseases. Last evaluated: 2022-05-09. Review status: criteria provided, single submitter. Criteria: Ambry Variant Classification Scheme 2023. Collection method: clinical testing. Allele origin: germline.